The following is an entry in ClinVar:

NM_000081.4(LYST):c.10246C>T (p.His3416Tyr)

Gene: LYST (lysosomal trafficking regulator; minus strand). Cytogenetic location: 1q42.3.
Variant type: single nucleotide variant.
Coding change: c.10246C>T on transcript NM_000081.4 (MANE Select); coding-DNA position 10246, C replaced by T.
Protein change: p.His3416Tyr; replaces histidine 3416 with tyrosine.
Molecular consequence: missense variant.
Genome position (GRCh38, 1-based): chr1:235,702,875, G>A on the plus strand (C>T on the coding strand, the complement: LYST is on the minus strand). VCF-style: chr1-235702875-G-A. GRCh37 (hg19) VCF-style: chr1-235866175-G-A.
Other names: c.10246C>T, p.His3416Tyr (NM_001301365.1); short protein forms H3416Y.
Identifiers: ClinVar variation 2011636 (VCV002011636.4), dbSNP rs2527323669, ClinGen allele CA344931796.

ClinVar aggregate classification (germline): Uncertain significance (1 of 4 stars; one submission).

Conditions:
Chédiak-Higashi syndrome (CHS). Also called: Chediak-Higashi Syndrome. Identifiers: Orphanet 167, MedGen C0007965, MONDO:0008963, OMIM 214500.

Submission:

Labcorp Genetics (formerly Invitae), Labcorp
Classification: Uncertain significance for Chédiak-Higashi syndrome. Last evaluated: 2024-05-20. Review status: criteria provided, single submitter. Criteria: Invitae Variant Classification Sherloc (09022015). Collection method: clinical testing. Allele origin: germline.
Comment: This sequence change replaces histidine, which is basic and polar, with tyrosine, which is neutral and polar, at codon 3416 of the LYST protein (p.His3416Tyr). This variant is not present in population databases (gnomAD no frequency). This variant has not been reported in the literature in individuals affected with LYST-related conditions. ClinVar contains an entry for this variant (Variation ID: 2011636). Advanced modeling of protein sequence and biophysical properties (such as structural, functional, and spatial information, amino acid conservation, physicochemical variation, residue mobility, and thermodynamic stability) performed at Invitae indicates that this missense variant is not expected to disrupt LYST protein function with a negative predictive value of 80%. In summary, the available evidence is currently insufficient to determine the role of this variant in disease. Therefore, it has been classified as a Variant of Uncertain Significance.